The following is an entry in ClinVar:

ClinVar aggregate classification (germline): Conflicting classifications of pathogenicity. Review status: criteria provided, conflicting classifications (1 of 4 stars). 6 submissions from 4 submitters: Uncertain significance (3); Likely benign (3). Last evaluated 2026-06-01.

Conditions:
ERCC6-related disorder. Also called: ERCC6-related condition; ERCC6-related disorders. Identifiers: MedGen CN239385.
Age related macular degeneration 5. Identifiers: MedGen C3151063, MONDO:0013409, OMIM 613761.
Cerebrooculofacioskeletal syndrome 1 (COFS1). Also called: Cerebro-oculo-facio-skeletal syndrome 1. Identifiers: MedGen C0220722, MONDO:0008955, OMIM 214150.
Cockayne syndrome type 2 (CSB). Also called: COCKAYNE SYNDROME B; Cockayne Syndrome, Type II. Identifiers: Orphanet 191, Orphanet 90322, MedGen C0751038, MONDO:0019570, OMIM 133540.

Allele frequency attached by ClinVar (database versions not stated): gnomAD 0.00001 and 0.00003; TOPMed 0.00001; gnomAD exomes 0.00006 and 0.00016; ExAC 0.00012; 1000 Genomes Project 0.00020; 1000 Genomes Project 30x 0.00031.

Submissions (6):

CeGaT Center for Human Genetics Tuebingen
Classification: Likely benign. Last evaluated: 2026-06-01. Review status: criteria provided, single submitter. Criteria: CeGaT Center For Human Genetics Tuebingen Variant Classification Criteria Version 2. Collection method: clinical testing. Allele origin: germline. Affected: yes. Observed: 1 variant allele.
Comment: ERCC6: BP4, BP7

Labcorp Genetics (formerly Invitae), Labcorp
Classification: Likely benign. Last evaluated: 2026-01-28. Review status: criteria provided, single submitter. Criteria: Invitae Variant Classification Sherloc (09022015). Collection method: clinical testing. Allele origin: germline.

PreventionGenetics, part of Exact Sciences
Classification: Likely benign for ERCC6-related condition. Last evaluated: 2025-09-16. Review status: criteria provided, single submitter. Criteria: ACMG Guidelines, 2015. Collection method: clinical testing. Allele origin: germline.
Comment: This variant is classified as likely benign based on ACMG/AMP sequence variant interpretation guidelines (Richards et al. 2015 PMID: 25741868, with internal and published modifications).

Illumina Laboratory Services, Illumina
Classification: Uncertain significance for Age related macular degeneration 5. Last evaluated: 2018-01-13. Review status: criteria provided, single submitter. Criteria: ICSL Variant Classification Criteria 13 December 2019. Collection method: clinical testing. Allele origin: germline.

Illumina Laboratory Services, Illumina
Classification: Uncertain significance for Cockayne syndrome type 2. Last evaluated: 2018-01-13. Review status: criteria provided, single submitter. Criteria: ICSL Variant Classification Criteria 13 December 2019. Collection method: clinical testing. Allele origin: germline.

Illumina Laboratory Services, Illumina
Classification: Uncertain significance for Cerebrooculofacioskeletal syndrome 1. Last evaluated: 2018-01-13. Review status: criteria provided, single submitter. Criteria: ICSL Variant Classification Criteria 13 December 2019. Collection method: clinical testing. Allele origin: germline.

NM_000124.4(ERCC6):c.2022T>A (p.Ser674=)

Gene: ERCC6 (ERCC excision repair 6, chromatin remodeling factor; minus strand). Cytogenetic location: 10q11.23.
Variant type: single nucleotide variant.
Coding change: c.2022T>A on transcript NM_000124.4 (MANE Select); coding-DNA position 2022, T replaced by A.
Protein change: p.Ser674=; no amino-acid change (serine 674 retained).
Molecular consequence: synonymous variant.
Genome position (GRCh38, 1-based): chr10:49,482,834, A>T on the plus strand (T>A on the coding strand, the complement: ERCC6 is on the minus strand). VCF-style: chr10-49482834-A-T. GRCh37 (hg19) VCF-style: chr10-50690880-A-T.
Other names: c.2022T>A, p.Ser674= (NM_001346440.2).
Identifiers: ClinVar variation 300074 (VCV000300074.16), dbSNP rs544471829, ClinGen allele CA5495783.